The following is an entry in ClinVar:

ClinVar aggregate classification (germline): Uncertain significance (1 of 4 stars; one submission).

Submissions (2):

Laboratory for Molecular Medicine, Mass General Brigham Personalized Medicine
Classification: Uncertain significance. Last evaluated: 2011-09-20. Review status: criteria provided, single submitter. Criteria: LMM Criteria. Collection method: clinical testing. Allele origin: germline. Observed: 1 variant allele.
Comment: The Gln247Arg variant in EDA has not been reported in the literature nor previou sly identified by our laboratory. The amino acid glutamine (Gln) at position 24 7 is highly conserved across evolutionarily distant species, suggesting that a c hange to the amino acid arginine (Arg) may not be tolerated. Computational anal yses (biochemical amino acid properties, homology, PolyPhen2, SIFT, AlignGVGD) d o not provide strong support for or against pathogenicity. Without further info rmation, such as control studies, segregation data, or functional analyses, the clinical significance of this variant cannot be determined with certainty at thi s time.

Dr. Peter K. Rogan Lab, Western University
No classification provided (evidence only). Condition: Thyroid cancer, nonmedullary, 1. Review status: no classification provided. Collection method: in vitro. Allele origin: not applicable. Functional consequence: retained intron. Not counted in ClinVar's aggregate classification.

NM_001399.5(EDA):c.740A>G (p.Gln247Arg)

Gene: EDA (ectodysplasin A; plus strand). Cytogenetic location: Xq13.1.
Variant type: single nucleotide variant.
Coding change: c.740A>G on transcript NM_001399.5 (MANE Select); coding-DNA position 740, A replaced by G.
Protein change: p.Gln247Arg; replaces glutamine 247 with arginine.
Molecular consequence: missense variant.
Genome position (GRCh38, 1-based): chrX:70,029,537, A>G. VCF-style: chrX-70029537-A-G. GRCh37 (hg19) VCF-style: chrX-69249387-A-G.
Other names: c.740A>G, p.Gln247Arg (NM_001005609.2, NM_001005612.3); short protein forms Q247R.
Identifiers: ClinVar variation 44206 (VCV000044206.5), dbSNP rs397516673, ClinGen allele CA133752.